The following is an entry in ClinVar:

NM_172107.4(KCNQ2):c.2483C>T (p.Ala828Val)

Gene: KCNQ2 (potassium voltage-gated channel subfamily Q member 2; minus strand). Cytogenetic location: 20q13.33.
Variant type: single nucleotide variant.
Coding change: c.2483C>T on transcript NM_172107.4 (MANE Select); coding-DNA position 2483, C replaced by T.
Protein change: p.Ala828Val; replaces alanine 828 with valine.
Molecular consequence: missense variant.
Genome position (GRCh38, 1-based): chr20:63,406,780, G>A on the plus strand (C>T on the coding strand, the complement: KCNQ2 is on the minus strand). VCF-style: chr20-63406780-G-A. GRCh37 (hg19) VCF-style: chr20-62038133-G-A.
Other names: c.2537C>T, p.Ala846Val (NM_001382235.1); c.2399C>T, p.Ala800Val (NM_004518.6); c.2429C>T, p.Ala810Val (NM_172106.3); c.2390C>T, p.Ala797Val (NM_172108.5); short protein forms A797V, A828V, A846V, A810V, A800V.
Identifiers: ClinVar variation 2091483 (VCV002091483.4), dbSNP rs1181238403, ClinGen allele CA409636884.

ClinVar aggregate classification (germline): Uncertain significance (1 of 4 stars; one submission).

Conditions:
Early-infantile DEE. Also called: Ohtahara syndrome; Early infantile epileptic encephalopathy with suppression bursts; Early infantile epileptic encephalopathy. Identifiers: Orphanet 1934, MedGen C0393706, MONDO:0800491.

Allele frequency attached by ClinVar (database versions not stated): gnomAD exomes below 0.00001.
gnomAD v4.1: 2 of 1,612,546 alleles (0.00012%); highest among the groups gnomAD compares: South Asian, 0.0022%; no homozygotes.

Submission:

Labcorp Genetics (formerly Invitae), Labcorp
Classification: Uncertain significance for Early-infantile DEE. Last evaluated: 2024-10-16. Review status: criteria provided, single submitter. Criteria: Invitae Variant Classification Sherloc (09022015). Collection method: clinical testing. Allele origin: germline.
Comment: This sequence change replaces alanine, which is neutral and non-polar, with valine, which is neutral and non-polar, at codon 828 of the KCNQ2 protein (p.Ala828Val). This variant is present in population databases (no rsID available, gnomAD 0.007%). This variant has not been reported in the literature in individuals affected with KCNQ2-related conditions. ClinVar contains an entry for this variant (Variation ID: 2091483). Invitae Evidence Modeling of protein sequence and biophysical properties (such as structural, functional, and spatial information, amino acid conservation, physicochemical variation, residue mobility, and thermodynamic stability) indicates that this missense variant is not expected to disrupt KCNQ2 protein function with a negative predictive value of 95%. In summary, the available evidence is currently insufficient to determine the role of this variant in disease. Therefore, it has been classified as a Variant of Uncertain Significance.